The following is an entry in ClinVar:

NM_001846.4(COL4A2):c.1079-3C>T

Gene: COL4A2 (collagen type IV alpha 2 chain; plus strand). Cytogenetic location: 13q34.
Variant type: single nucleotide variant.
Coding change: c.1079-3C>T on transcript NM_001846.4 (MANE Select); 3 bases into the intron before coding-DNA position 1079, C replaced by T.
Molecular consequence: intron variant.
Genome position (GRCh38, 1-based): chr13:110,449,676, C>T. VCF-style: chr13-110449676-C-T. GRCh37 (hg19) VCF-style: chr13-111102023-C-T.
Identifiers: ClinVar variation 2117307 (VCV002117307.4), dbSNP rs2502093186, ClinGen allele CA2580087138.

ClinVar aggregate classification (germline): Uncertain significance (1 of 4 stars; one submission).

Submission:

Labcorp Genetics (formerly Invitae), Labcorp
Classification: Uncertain significance. Last evaluated: 2022-03-26. Review status: criteria provided, single submitter. Criteria: Invitae Variant Classification Sherloc (09022015). Collection method: clinical testing. Allele origin: germline.
Comment: In summary, the available evidence is currently insufficient to determine the role of this variant in disease. Therefore, it has been classified as a Variant of Uncertain Significance. Variants that disrupt the consensus splice site are a relatively common cause of aberrant splicing (PMID: 17576681, 9536098). Algorithms developed to predict the effect of sequence changes on RNA splicing suggest that this variant is not likely to affect RNA splicing. This variant has not been reported in the literature in individuals affected with COL4A2-related conditions. This variant is not present in population databases (gnomAD no frequency). This sequence change falls in intron 18 of the COL4A2 gene. It does not directly change the encoded amino acid sequence of the COL4A2 protein. It affects a nucleotide within the consensus splice site.

Literature cited by the submitters: PubMed 17576681; PubMed 9536098.